The following is an entry in ClinVar:

NM_001009944.3(PKD1):c.3239C>T (p.Pro1080Leu)

Gene: PKD1 (polycystin 1, transient receptor potential channel interacting; minus strand). Cytogenetic location: 16p13.3.
Variant type: single nucleotide variant.
Coding change: c.3239C>T on transcript NM_001009944.3 (MANE Select); coding-DNA position 3239, C replaced by T.
Protein change: p.Pro1080Leu; replaces proline 1080 with leucine.
Molecular consequence: missense variant.
Genome position (GRCh38, 1-based): chr16:2,112,396, G>A on the plus strand (C>T on the coding strand, the complement: PKD1 is on the minus strand). VCF-style: chr16-2112396-G-A. GRCh37 (hg19) VCF-style: chr16-2162397-G-A.
Other names: c.3239C>T, p.Pro1080Leu (NM_000296.4); short protein forms P1080L.
Identifiers: ClinVar variation 2499812 (VCV002499812.4), dbSNP rs746334905, ClinGen allele CA276782214.

ClinVar aggregate classification (germline): Uncertain significance. Review status: criteria provided, multiple submitters, no conflicts (2 of 4 stars). 3 submissions from 3 submitters: Uncertain significance (3). Last evaluated 2024-04-02.

Conditions:
Polycystic kidney disease, adult type (PKD1). Also called: Polycystic Kidney Disease 1, Autosomal Dominant; Polycystic kidney disease 1; Polycystic kidney disease 1, severe; Polycystic Kidney, Autosomal Dominant; POLYCYSTIC KIDNEY DISEASE, ADULT, TYPE I; POLYCYSTIC KIDNEY DISEASE 1 WITH OR WITHOUT POLYCYSTIC LIVER DISEASE. Identifiers: MedGen C3149841, MONDO:0008263, OMIM 173900.

Submissions (3):

Fulgent Genetics
Classification: Uncertain significance for Polycystic kidney disease, adult type. Last evaluated: 2024-04-02. Review status: criteria provided, single submitter. Criteria: ACMG Guidelines, 2015. Collection method: clinical testing. Allele origin: germline.

GeneDx
Classification: Uncertain significance. Last evaluated: 2023-04-18. Review status: criteria provided, single submitter. Criteria: GeneDx Variant Classification Process June 2021. Collection method: clinical testing. Allele origin: germline. Affected: yes.
Comment: In silico analysis supports that this missense variant has a deleterious effect on protein structure/function; Has not been previously published as pathogenic or benign to our knowledge

Genetic Services Laboratory, University of Chicago
Classification: Uncertain significance. Last evaluated: 2023-03-27. Review status: criteria provided, single submitter. Criteria: ACMG Guidelines, 2015. Collection method: clinical testing. Allele origin: germline. Affected: no.
Comment: DNA sequence analysis of the PKD1 gene demonstrated a sequence change, c.3239C>T, in exon 14 that results in an amino acid change, p.Pro1080Leu. This sequence change has been described in the gnomAD database in three individuals corresponding to a population frequency of 0.0012% (dbSNP rs746334905). The p.Pro1080Leu change affects a moderately conserved amino acid residue located in a domain of the PKD1 protein that is not known to be functional. In-silico pathogenicity prediction tools (SIFT, PolyPhen2, Align GVGD, REVEL) provide contradictory results for the p.Pro1080Leu substitution. This sequence change does not appear to have been previously described in individuals with PKD1-related disorders. Due to insufficient evidence and the lack of functional studies, the clinical significance of the p.Pro1080Leu change remains unknown at this time.